The following is an entry in ClinVar:

ClinVar aggregate classification (germline): Uncertain significance. Review status: criteria provided, multiple submitters, no conflicts (2 of 4 stars). 3 submissions from 3 submitters: Uncertain significance (3). Last evaluated 2024-07-23.

Conditions:
Hereditary cancer-predisposing syndrome. Also called: Hereditary Cancer Syndrome; Hereditary neoplastic syndrome; Neoplastic Syndromes, Hereditary; Tumor predisposition. Identifiers: Orphanet 140162, MedGen C0027672, MeSH D009386, MONDO:0015356.
Familial adenomatous polyposis 1 (FAP1). Also called: FAMILIAL ADENOMATOUS POLYPOSIS 1, ATTENUATED; POLYPOSIS, ADENOMATOUS INTESTINAL. Identifiers: MedGen C2713442, MONDO:0021056, OMIM 175100. Disease mechanism: loss of function.

Submissions (3):

GeneDx
Classification: Uncertain significance. Last evaluated: 2024-07-23. Review status: criteria provided, single submitter. Criteria: GeneDx Variant Classification Process June 2021. Collection method: clinical testing. Allele origin: germline. Affected: yes.
Comment: Not observed at significant frequency in large population cohorts (gnomAD); In silico analysis supports that this missense variant has a deleterious effect on protein structure/function; Has not been previously published as pathogenic or benign to our knowledge

Ambry Genetics
Classification: Uncertain significance for Hereditary cancer-predisposing syndrome. Last evaluated: 2020-12-24. Review status: criteria provided, single submitter. Criteria: Ambry Variant Classification Scheme 2023. Collection method: clinical testing. Allele origin: germline.
Comment: The p.G371R variant (also known as c.1111G>C), located in coding exon 9 of the APC gene, results from a G to C substitution at nucleotide position 1111. The glycine at codon 371 is replaced by arginine, an amino acid with dissimilar properties. This amino acid position is highly conserved in available vertebrate species. In addition, in silico predictors for this gene do not accurately predict pathogenicity. Since supporting evidence is limited at this time, the clinical significance of this alteration remains unclear.

Labcorp Genetics (formerly Invitae), Labcorp
Classification: Uncertain significance for Familial adenomatous polyposis 1. Last evaluated: 2015-06-13. Review status: criteria provided, single submitter. Criteria: Invitae Variant Classification Sherloc (09022015). Collection method: clinical testing. Allele origin: germline.
Comment: In summary, this is a novel missense change with uncertain impact on protein function. It has been classified as a Variant of Uncertain Significance. This variant has not been published in the literature and is not present in population databases. Algorithms developed to predict the effect of missense changes on protein structure and function (SIFT, PolyPhen-2, Align-GVGD) all suggest that this variant is likely to be disruptive, but these predictions have not been confirmed by published functional studies. This sequence change replaces glycine with arginine at codon 371 of the APC protein (p.Gly371Arg). The glycine residue is highly conserved and there is a moderate physicochemical difference between glycine and arginine.

NM_000038.6(APC):c.1111G>C (p.Gly371Arg)

Gene: APC (APC regulator of Wnt signaling pathway; plus strand). Cytogenetic location: 5q22.2.
Variant type: single nucleotide variant.
Coding change: c.1111G>C on transcript NM_000038.6 (MANE Select); coding-DNA position 1111, G replaced by C.
Protein change: p.Gly371Arg; replaces glycine 371 with arginine.
Molecular consequence: missense variant. On other transcripts: intron variant (4).
Genome position (GRCh38, 1-based): chr5:112,819,143, G>C. VCF-style: chr5-112819143-G-C. GRCh37 (hg19) VCF-style: chr5-112154840-G-C.
Other names: c.1111G>C, p.Gly371Arg (NM_001127510.3, NM_001354895.2, NM_001354896.2); c.1057G>C, p.Gly353Arg (NM_001127511.3); c.1141G>C, p.Gly381Arg (NM_001354897.2); c.1036G>C, p.Gly346Arg (NM_001354898.2); c.1027G>C, p.Gly343Arg (NM_001354899.2); c.934G>C, p.Gly312Arg (NM_001354900.2, NM_001354901.2); c.262G>C, p.Gly88Arg (NM_001354906.2); c.964-126G>C (NM_001354902.2); and 3 more; short protein forms G353R, G371R, G343R, G346R, G381R, G88R, G312R.
Identifiers: ClinVar variation 216147 (VCV000216147.12), dbSNP rs863224535, ClinGen allele CA337488.